The following is an entry in ClinVar:

NM_002474.3(MYH11):c.3721C>G (p.Arg1241Gly)

Gene: MYH11 (myosin heavy chain 11; minus strand). Cytogenetic location: 16p13.11.
Variant type: single nucleotide variant.
Coding change: c.3721C>G on transcript NM_002474.3 (MANE Select); coding-DNA position 3721, C replaced by G.
Protein change: p.Arg1241Gly; replaces arginine 1241 with glycine.
Molecular consequence: missense variant.
Genome position (GRCh38, 1-based): chr16:15,726,985, G>C on the plus strand (C>G on the coding strand, the complement: MYH11 is on the minus strand). VCF-style: chr16-15726985-G-C. GRCh37 (hg19) VCF-style: chr16-15820842-G-C.
Other names: c.3742C>G, p.Arg1248Gly (NM_001040113.2, NM_001040114.2); c.3721C>G, p.Arg1241Gly (NM_022844.3); short protein forms R1241G, R1248G.
Identifiers: ClinVar variation 3070105 (VCV003070105.1), dbSNP rs771515309, ClinGen allele CA394860205.

ClinVar aggregate classification (germline): Uncertain significance (1 of 4 stars; one submission).

Conditions:
Familial thoracic aortic aneurysm and aortic dissection (TAAD). Also called: Thoracic aortic aneurysms and dissections. Identifiers: Orphanet 91387, MedGen C4707243, MONDO:0019625.

Submission:

All of Us Research Program, National Institutes of Health
Classification: Uncertain significance for Familial thoracic aortic aneurysm and aortic dissection. Last evaluated: 2023-04-03. Review status: criteria provided, single submitter. Criteria: ACMG Guidelines, 2015. Collection method: clinical testing. Allele origin: germline. Inheritance: Autosomal dominant inheritance. Observed: 1 variant allele, 1 heterozygote.
Comment: This missense variant replaces arginine with glycine at codon 1248 of the MYH11 protein. Computational prediction is inconclusive regarding the impact of this variant on protein structure and function (internally defined REVEL score threshold 0.5 < inconclusive < 0.7, PMID: 27666373). To our knowledge, functional studies have not been reported for this variant. This variant has not been reported in individuals affected with MYH11-related disorders in the literature. This variant has not been identified in the general population by the Genome Aggregation Database (gnomAD). The available evidence is insufficient to determine the role of this variant in disease conclusively. Therefore, this variant is classified as a Variant of Uncertain Significance.

This study involves interpretation of variants in research participants for the purpose of population health screening. Participant phenotype was not available at the time of variant classification. Additional details can be found in publication PMID: 35346344, PMCID: PMC8962531